The following is an entry in ClinVar:

NM_005612.5(REST):c.983-277T>C

Gene: REST (RE1 silencing transcription factor; plus strand). Cytogenetic location: 4q12.
Variant type: single nucleotide variant.
Coding change: c.983-277T>C on transcript NM_005612.5 (MANE Select); 277 bases into the intron before coding-DNA position 983, T replaced by C.
Molecular consequence: intron variant.
Genome position (GRCh38, 1-based): chr4:56,929,564, T>C. VCF-style: chr4-56929564-T-C. GRCh37 (hg19) VCF-style: chr4-57795730-T-C.
Other names: c.899-277T>C (NM_001440532.1, NM_001440533.1); c.983-277T>C (NM_001363453.3, NM_001193508.2).
Identifiers: ClinVar variation 1804533 (VCV001804533.1), dbSNP rs10034440, ClinGen allele CA97636147.

ClinVar aggregate classification (germline): Likely benign (1 of 4 stars; one submission).

Allele frequency attached by ClinVar (database versions not stated): 1000 Genomes Project 0.00399; 1000 Genomes Project 30x 0.00437; gnomAD 0.00506; TOPMed 0.00558.
gnomAD v4.1: 761 of 152,334 alleles (0.5%); highest among the groups gnomAD compares: African/African-American, 1.7%; 8 homozygotes.

Submission:

GeneDx
Classification: Likely benign. Last evaluated: 2019-07-26. Review status: criteria provided, single submitter. Criteria: GeneDx Variant Classification Process June 2021. Collection method: clinical testing. Allele origin: germline. Affected: yes.
Comment: See Variant Classification Assertion Criteria.